The following is an entry in ClinVar:

NM_001287.6(CLCN7):c.2231C>T (p.Ser744Phe)

Gene: CLCN7 (chloride voltage-gated channel 7; minus strand). Cytogenetic location: 16p13.3.
Variant type: single nucleotide variant.
Coding change: c.2231C>T on transcript NM_001287.6 (MANE Select); coding-DNA position 2231, C replaced by T.
Protein change: p.Ser744Phe; replaces serine 744 with phenylalanine.
Molecular consequence: missense variant.
Genome position (GRCh38, 1-based): chr16:1,447,411, G>A on the plus strand (C>T on the coding strand, the complement: CLCN7 is on the minus strand). VCF-style: chr16-1447411-G-A. GRCh37 (hg19) VCF-style: chr16-1497412-G-A.
Other names: c.2159C>T, p.Ser720Phe (NM_001114331.3); short protein forms S744F, S720F.
Identifiers: ClinVar variation 1519955 (VCV001519955.8), dbSNP rs1320932332, ClinGen allele CA394185484.

ClinVar aggregate classification (germline): Likely pathogenic (1 of 4 stars; one submission).

Allele frequency attached by ClinVar (database versions not stated): TOPMed below 0.00001; gnomAD 0.00001; gnomAD exomes 0.00001 and 0.00002.

Submission:

Labcorp Genetics (formerly Invitae), Labcorp
Classification: Likely pathogenic. Last evaluated: 2025-12-29. Review status: criteria provided, single submitter. Criteria: Invitae Variant Classification Sherloc (09022015). Collection method: clinical testing. Allele origin: germline.
Comment: This sequence change replaces serine, which is neutral and polar, with phenylalanine, which is neutral and non-polar, at codon 744 of the CLCN7 protein (p.Ser744Phe). This variant is present in population databases (no rsID available, gnomAD 0.02%). This missense change has been observed in individual(s) with autosomal recessive osteopetrosis (PMID: 14584882). It has also been observed to segregate with disease in related individuals. ClinVar contains an entry for this variant (Variation ID: 1519955). Invitae Evidence Modeling of protein sequence and biophysical properties (such as structural, functional, and spatial information, amino acid conservation, physicochemical variation, residue mobility, and thermodynamic stability) indicates that this missense variant is expected to disrupt CLCN7 protein function with a positive predictive value of 95%. Experimental studies have shown that this missense change does not substantially affect CLCN7 function (PMID: 21527911). In summary, the currently available evidence indicates that the variant is pathogenic, but additional data are needed to prove that conclusively. Therefore, this variant has been classified as Likely Pathogenic.

Literature cited by the submitters: PubMed 14584882; PubMed 21527911.